The following is an entry in ClinVar:

NM_000368.5(TSC1):c.1079C>G (p.Thr360Ser)

Gene: TSC1 (TSC complex subunit 1; minus strand). Cytogenetic location: 9q34.13.
Variant type: single nucleotide variant.
Coding change: c.1079C>G on transcript NM_000368.5 (MANE Select); coding-DNA position 1079, C replaced by G.
Protein change: p.Thr360Ser; replaces threonine 360 with serine.
Molecular consequence: missense variant.
Genome position (GRCh38, 1-based): chr9:132,911,064, G>C on the plus strand (C>G on the coding strand, the complement: TSC1 is on the minus strand). VCF-style: chr9-132911064-G-C. GRCh37 (hg19) VCF-style: chr9-135786451-G-C.
Other names: c.1079C>G, p.Thr360Ser (NM_001162426.2); c.926C>G, p.Thr309Ser (NM_001162427.2); c.716C>G, p.Thr239Ser (NM_001362177.2); short protein forms T239S, T309S, T360S.
Identifiers: ClinVar variation 999322 (VCV000999322.12), dbSNP rs118203493, ClinGen allele CA375367636.
Genomic context (GRCh38, chr9:132,911,064, plus strand): 5'-GTTGTACCAAAGACTTTACTGTAAGGGTGTGACAGATCAGGTGGGACATTTCCAGGAGAA[G>C]TTGGAGGAGTGGTCATACCACAAACCATAGATGGGCTCCAAAGAGTAGCCTGGGAAGTTA-3'
Protein context (NP_000359.1, residues 350-370): SMVCGMTTPP[Thr360Ser]SPGNVPPDLS

ClinVar aggregate classification (germline): Uncertain significance. Review status: criteria provided, multiple submitters, no conflicts (2 of 4 stars). 3 submissions from 3 submitters: Uncertain significance (3). Last evaluated 2024-01-03.

Conditions:
Tuberous sclerosis syndrome (TSC). Also called: Tuberous Sclerosis Complex; Tuberous sclerosis. Identifiers: Orphanet 805, MedGen C0041341, MONDO:0001734.
Hereditary cancer-predisposing syndrome. Also called: Neoplastic Syndromes, Hereditary; Hereditary neoplastic syndrome; Hereditary Cancer Syndrome; Tumor predisposition. Identifiers: Orphanet 140162, MedGen C0027672, MeSH D009386, MONDO:0015356.
Tuberous sclerosis 1 (TSC1). Identifiers: Orphanet 805, MedGen C1854465, MONDO:0008612, OMIM 191100.

Submissions (3):

All of Us Research Program, National Institutes of Health
Classification: Uncertain significance for Tuberous sclerosis syndrome. Last evaluated: 2024-01-03. Review status: criteria provided, single submitter. Criteria: ACMG Guidelines, 2015. Collection method: clinical testing. Allele origin: germline. Inheritance: Autosomal dominant inheritance. Observed: 1 variant allele, 1 heterozygote.
Comment: This missense variant replaces threonine with serine at codon 360 of the TSC1 protein. Computational prediction suggests that this variant may not impact protein structure and function (internally defined REVEL score threshold <= 0.5, PMID: 27666373). To our knowledge, functional studies have not been reported for this variant. This variant has not been reported in individuals affected with TSC1-related disorders in the literature. This variant has not been identified in the general population by the Genome Aggregation Database (gnomAD). The available evidence is insufficient to determine the role of this variant in disease conclusively. Therefore, this variant is classified as a Variant of Uncertain Significance.

This study involves interpretation of variants in research participants for the purpose of population health screening. Participant phenotype was not available at the time of variant classification. Additional details can be found in publication PMID: 35346344, PMCID: PMC8962531

Ambry Genetics
Classification: Uncertain significance for Hereditary cancer-predisposing syndrome. Last evaluated: 2020-10-14. Review status: criteria provided, single submitter. Criteria: Ambry Variant Classification Scheme 2023. Collection method: clinical testing. Allele origin: germline.
Comment: The p.T360S variant (also known as c.1079C>G), located in coding exon 9 of the TSC1 gene, results from a C to G substitution at nucleotide position 1079. The threonine at codon 360 is replaced by serine, an amino acid with similar properties. This amino acid position is highly conserved in available vertebrate species. In addition, this alteration is predicted to be tolerated by in silico analysis. Since supporting evidence is limited at this time, the clinical significance of this alteration remains unclear.

Labcorp Genetics (formerly Invitae), Labcorp
Classification: Uncertain significance for Tuberous sclerosis 1. Last evaluated: 2020-07-08. Review status: criteria provided, single submitter. Criteria: Invitae Variant Classification Sherloc (09022015). Collection method: clinical testing. Allele origin: germline.
Comment: In summary, the available evidence is currently insufficient to determine the role of this variant in disease. Therefore, it has been classified as a Variant of Uncertain Significance. Algorithms developed to predict the effect of missense changes on protein structure and function (SIFT, PolyPhen-2, Align-GVGD) all suggest that this variant is likely to be tolerated, but these predictions have not been confirmed by published functional studies and their clinical significance is uncertain. This variant has not been reported in the literature in individuals with TSC1-related conditions. This variant is not present in population databases (ExAC no frequency). This sequence change replaces threonine with serine at codon 360 of the TSC1 protein (p.Thr360Ser). The threonine residue is moderately conserved and there is a small physicochemical difference between threonine and serine.